The following is an entry in ClinVar:

ClinVar aggregate classification (germline): Pathogenic/Likely pathogenic. Review status: criteria provided, multiple submitters, no conflicts (2 of 4 stars). 2 submissions from 2 submitters: Pathogenic (1); Likely pathogenic (1). Last evaluated 2024-03-31.

Conditions:
Retinitis pigmentosa 12 (RP12). Also called: RP WITH OR WITHOUT PPRPE; RP WITH OR WITHOUT PRESERVED PARAARTERIOLE RETINAL PIGMENT EPITHELIUM; RETINITIS PIGMENTOSA WITH OR WITHOUT PARAARTERIOLAR PRESERVATION OF RETINAL PIGMENT EPITHELIUM. Identifiers: Orphanet 791, MedGen C1838647, MONDO:0010818, OMIM 600105.
Leber congenital amaurosis 8 (LCA8). Identifiers: Orphanet 65, MedGen C3151202, MONDO:0013453, OMIM 613835.

Submissions (2):

Labcorp Genetics (formerly Invitae), Labcorp
Classification: Pathogenic for Leber congenital amaurosis 8; Retinitis pigmentosa 12. Last evaluated: 2024-03-31. Review status: criteria provided, single submitter. Criteria: Invitae Variant Classification Sherloc (09022015). Collection method: clinical testing. Allele origin: germline.
Comment: This sequence change creates a premature translational stop signal (p.Cys1143*) in the CRB1 gene. It is expected to result in an absent or disrupted protein product. Loss-of-function variants in CRB1 are known to be pathogenic (PMID: 10508521, 22065545, 23379534, 25412400, 26957898, 28041643, 29391521). This variant is not present in population databases (gnomAD no frequency). This variant has not been reported in the literature in individuals affected with CRB1-related conditions. For these reasons, this variant has been classified as Pathogenic.

Baylor Genetics
Classification: Likely pathogenic for Leber congenital amaurosis 8. Last evaluated: 2024-02-10. Review status: criteria provided, single submitter. Criteria: ACMG Guidelines, 2015. Collection method: clinical testing. Allele origin: unknown.

Literature cited by the submitters: PubMed 10508521 (cited by Labcorp Genetics (formerly Invitae), Labcorp); PubMed 22065545 (cited by Labcorp Genetics (formerly Invitae), Labcorp); PubMed 23379534 (cited by Labcorp Genetics (formerly Invitae), Labcorp); PubMed 25412400 (cited by Labcorp Genetics (formerly Invitae), Labcorp); PubMed 26957898 (cited by Labcorp Genetics (formerly Invitae), Labcorp); PubMed 28041643 (cited by Labcorp Genetics (formerly Invitae), Labcorp); PubMed 29391521 (cited by Labcorp Genetics (formerly Invitae), Labcorp).

NM_201253.3(CRB1):c.3429C>A (p.Cys1143Ter)

Gene: CRB1 (crumbs cell polarity complex component 1; plus strand). Cytogenetic location: 1q31.3.
Variant type: single nucleotide variant.
Coding change: c.3429C>A on transcript NM_201253.3 (MANE Select); coding-DNA position 3429, C replaced by A.
Protein change: p.Cys1143Ter; replaces cysteine 1143 with a stop codon.
Molecular consequence: nonsense. On other transcripts: non-coding transcript variant (2), intron variant (1).
Genome position (GRCh38, 1-based): chr1:197,435,292, C>A. VCF-style: chr1-197435292-C-A. GRCh37 (hg19) VCF-style: chr1-197404422-C-A.
Other names: c.3093C>A, p.Cys1031Ter (NM_001193640.2); c.3357C>A, p.Cys1119Ter (NM_001257965.2); c.2129-308C>A (NM_001257966.2); short protein forms C1031*, C1119*, C1143*.
Identifiers: ClinVar variation 3241213 (VCV003241213.3), dbSNP rs755489411.